The following is an entry in ClinVar:

NM_001851.6(COL9A1):c.2737C>T (p.Arg913Ter)

Gene: COL9A1 (collagen type IX alpha 1 chain; minus strand). Cytogenetic location: 6q13.
Variant type: single nucleotide variant.
Coding change: c.2737C>T on transcript NM_001851.6 (MANE Select); coding-DNA position 2737, C replaced by T.
Protein change: p.Arg913Ter; replaces arginine 913 with a stop codon.
Molecular consequence: nonsense. On other transcripts: non-coding transcript variant (1).
Genome position (GRCh38, 1-based): chr6:70,216,926, G>A on the plus strand (C>T on the coding strand, the complement: COL9A1 is on the minus strand). VCF-style: chr6-70216926-G-A. GRCh37 (hg19) VCF-style: chr6-70926629-G-A.
Other names: c.2038C>T, p.Arg680Ter (NM_001377289.1); c.1861C>T, p.Arg621Ter (NM_001377290.1); c.2008C>T, p.Arg670Ter (NM_078485.4); c.2737C>T (NM_001851.4); short protein forms R621*, R670*, R680*, R913*.
Identifiers: ClinVar variation 1024435 (VCV001024435.5), dbSNP rs145221543, ClinGen allele CA3881687.
Genomic context (GRCh38, chr6:70,216,926, plus strand): 5'-TCATGCAGACAGCCATGCAGCAGTAAGCCTTTCAAGGGTCAGGCCCTTTGTTAAATGCTC[G>A]CTGACCAGCCTGCATGGTGCAGGAGGCTGGCTCACAGAAACCGGGAAGCCCAGGAGGTCC-3'

ClinVar aggregate classification (germline): Uncertain significance. Review status: criteria provided, multiple submitters, no conflicts (2 of 4 stars). 2 submissions from 2 submitters: Uncertain significance (2). Last evaluated 2025-01-23.

Allele frequency attached by ClinVar (database versions not stated): gnomAD 0.00001; gnomAD exomes 0.00001; TOPMed 0.00002; ESP Exome Variant Server 0.00008.
gnomAD v4.1: 13 of 1,613,946 alleles (0.00081%); highest among the groups gnomAD compares: African/African-American, 0.0013%; no homozygotes.

Submissions (2):

GeneDx
Classification: Uncertain significance. Last evaluated: 2025-01-23. Review status: criteria provided, single submitter. Criteria: GeneDx Variant Classification Process June 2021. Collection method: clinical testing. Allele origin: germline. Affected: yes.
Comment: Not observed at significant frequency in large population cohorts (gnomAD); Has not been previously published as pathogenic or benign to our knowledge; Nonsense variant predicted to result in protein truncation as the last 9 amino acids are lost with an unclear effect on protein function

Labcorp Genetics (formerly Invitae), Labcorp
Classification: Uncertain significance. Last evaluated: 2020-07-24. Review status: criteria provided, single submitter. Criteria: Invitae Variant Classification Sherloc (09022015). Collection method: clinical testing. Allele origin: germline.
Comment: This sequence change results in a premature translational stop signal in the COL9A1 gene (p.Arg913*). While this is not anticipated to result in nonsense mediated decay, it is expected to disrupt the last 9 amino acids of the COL9A1 protein. This variant is present in population databases (rs145221543, ExAC 0.01%). This variant has not been reported in the literature in individuals with COL9A1-related conditions. Algorithms developed to predict the effect of sequence changes on RNA splicing suggest that this variant may create or strengthen a splice site, but this prediction has not been confirmed by published transcriptional studies. In summary, the available evidence is currently insufficient to determine the role of this variant in disease. Therefore, it has been classified as a Variant of Uncertain Significance.